The following is an entry in ClinVar:

ClinVar aggregate classification (germline): Likely benign. Review status: criteria provided, multiple submitters, no conflicts (2 of 4 stars). 2 submissions from 2 submitters: Likely benign (2). Last evaluated 2026-07-08.

Conditions:
Rhabdoid tumor predisposition syndrome 2 (RTPS2). Identifiers: Orphanet 231108, Orphanet 69077, MedGen C2750074, MONDO:0013224, OMIM 613325.

Submissions (2):

Myriad Genetics, Inc.
Classification: Likely benign for Rhabdoid tumor predisposition syndrome 2. Last evaluated: 2026-07-08. Review status: criteria provided, single submitter. Criteria: Myriad Autosomal Dominant, Autosomal Recessive and X-Linked Classification Criteria (2023). Collection method: clinical testing. Allele origin: unknown.
Comment: This variant is considered likely benign. This variant is intronic and is not expected to impact mRNA splicing.

Labcorp Genetics (formerly Invitae), Labcorp
Classification: Likely benign for Rhabdoid tumor predisposition syndrome 2. Last evaluated: 2025-02-27. Review status: criteria provided, single submitter. Criteria: Invitae Variant Classification Sherloc (09022015). Collection method: clinical testing. Allele origin: germline.

NM_003072.5(SMARCA4):c.4534-9C>T

Gene: SMARCA4 (SWI/SNF related BAF chromatin remodeling complex subunit ATPase 4; plus strand). Cytogenetic location: 19p13.2.
Variant type: single nucleotide variant.
Coding change: c.4534-9C>T on transcript NM_003072.5 (MANE Select); 9 bases into the intron before coding-DNA position 4534, C replaced by T.
Molecular consequence: intron variant.
Genome position (GRCh38, 1-based): chr19:11,058,779, C>T. VCF-style: chr19-11058779-C-T. GRCh37 (hg19) VCF-style: chr19-11169455-C-T.
Other names: c.4534-9C>T (NM_001128844.3); c.4630-9C>T (NM_001128849.3, NM_001387283.1); c.4435-9C>T (NM_001128847.4, NM_001374457.1); c.4444-9C>T (NM_001128845.2); c.4441-9C>T (NM_001128846.2); c.4432-9C>T (NM_001128848.2).
Identifiers: ClinVar variation 1141839 (VCV001141839.10), dbSNP rs1271762916, ClinGen allele CA631769284.